The following is an entry in ClinVar:

NM_000217.3(KCNA1):c.1284C>T (p.Leu428=)

Gene: KCNA1 (potassium voltage-gated channel subfamily A member 1; plus strand). Cytogenetic location: 12p13.32.
Variant type: single nucleotide variant.
Coding change: c.1284C>T on transcript NM_000217.3 (MANE Select); coding-DNA position 1284, C replaced by T.
Protein change: p.Leu428=; no amino-acid change (leucine 428 retained).
Molecular consequence: synonymous variant.
Genome position (GRCh38, 1-based): chr12:4,912,662, C>T. VCF-style: chr12-4912662-C-T. GRCh37 (hg19) VCF-style: chr12-5021828-C-T.
Identifiers: ClinVar variation 4281311 (VCV004281311.7).

ClinVar aggregate classification (germline): Likely benign (1 of 4 stars; one submission).

Submission:

CeGaT Center for Human Genetics Tuebingen
Classification: Likely benign. Last evaluated: 2025-09-01. Review status: criteria provided, single submitter. Criteria: CeGaT Center For Human Genetics Tuebingen Variant Classification Criteria Version 2. Collection method: clinical testing. Allele origin: germline. Affected: yes. Observed: 1 variant allele.
Comment: KCNA1: BP4